The following is an entry in ClinVar:

ClinVar aggregate classification (germline): Uncertain significance (1 of 4 stars; one submission).

Conditions:
Ataxia-telangiectasia syndrome (AT). Also called: Ataxia-telangiectasia, complementation group D; AT, COMPLEMENTATION GROUP C; Ataxia telangiectasia (A-T); Cerebello-oculocutaneous telangiectasia; Immunodeficiency with ataxia telangiectasia; Ataxia-telangiectasia. Identifiers: Orphanet 100, MedGen C0004135, MONDO:0008840, OMIM 208900.

Submission:

Labcorp Genetics (formerly Invitae), Labcorp
Classification: Uncertain significance for Ataxia-telangiectasia syndrome. Last evaluated: 2021-08-27. Review status: criteria provided, single submitter. Criteria: Invitae Variant Classification Sherloc (09022015). Collection method: clinical testing. Allele origin: germline.
Comment: This sequence change falls in intron 20 of the ATM gene. It does not directly change the encoded amino acid sequence of the ATM protein. It affects a nucleotide within the consensus splice site of the intron. This variant is not present in population databases (ExAC no frequency). This variant has not been reported in the literature in individuals affected with ATM-related conditions. Variants that disrupt the consensus splice site are a relatively common cause of aberrant splicing (PMID: 17576681, 9536098). Algorithms developed to predict the effect of sequence changes on RNA splicing suggest that this variant is not likely to affect RNA splicing. In summary, the available evidence is currently insufficient to determine the role of this variant in disease. Therefore, it has been classified as a Variant of Uncertain Significance.

Literature cited by the submitters: PubMed 17576681; PubMed 9536098.

NM_000051.4(ATM):c.3077+4G>C

Gene: ATM (ATM serine/threonine kinase; plus strand). Cytogenetic location: 11q22.3.
Variant type: single nucleotide variant.
Coding change: c.3077+4G>C on transcript NM_000051.4 (MANE Select); 4 bases into the intron after coding-DNA position 3077, G replaced by C.
Molecular consequence: intron variant.
Genome position (GRCh38, 1-based): chr11:108,271,410, G>C. VCF-style: chr11-108271410-G-C. GRCh37 (hg19) VCF-style: chr11-108142137-G-C.
Other names: c.3077+4G>C (NM_001351834.2).
Identifiers: ClinVar variation 839778 (VCV000839778.7), dbSNP rs201222237, ClinGen allele CA916079945.
Genomic context (GRCh38, chr11:108,271,410, plus strand): 5'-CTCTGAGAACACAAGGGATGCTCAAGGACAGTTTCTTACAGTAATTGGAGCATTTTGGTA[G>C]GTACAGTCTATTTTGTGGTCCTATTTTTCTTTTGCTATCTGTGGATACGAATGCAAGTTT-3'